The following is an entry in ClinVar:

NM_001042492.3(NF1):c.1023dup (p.Ile342fs)

Gene: NF1 (neurofibromin 1; plus strand). Cytogenetic location: 17q11.2.
Variant type: Duplication.
Coding change: c.1023dup on transcript NM_001042492.3 (MANE Select); coding-DNA position 1023, one base duplicated (C; older notation c.1023dupC).
Protein change: p.Ile342fs; shifts the reading frame from isoleucine 342.
Molecular consequence: frameshift variant.
Genome position (GRCh38, 1-based): chr17:31,200,556, C duplicated. VCF-style (leftmost placement, unchanged base first): chr17-31200555-T-TC. GRCh37 (hg19) VCF-style: chr17-29527573-T-TC.
Other names: c.1023dup, p.Ile342Hisfs (NM_000267.4); c.1023dup, p.Ile342fs (NM_001128147.3); short protein forms I342fs.
Identifiers: ClinVar variation 1318551 (VCV001318551.4), dbSNP rs2143874110, ClinGen allele CA2573054368.
Genomic context (GRCh38, chr17:31,200,555, plus strand): 5'-CAATTGCCTGTGTCAAACTGTGTAAAGCAAGTACTTACATCAATTGGGAAGATAACTCTG[T>TC]CATTTTCCTACTTGTTCAGTCCATGGTGGTTGATCTTAAGGTAACATGCTTATTCTTTCT-3'

ClinVar aggregate classification (germline): Pathogenic (1 of 4 stars; one submission).

Submission:

GeneDx
Classification: Pathogenic. Last evaluated: 2024-01-29. Review status: criteria provided, single submitter. Criteria: GeneDx Variant Classification Process June 2021. Collection method: clinical testing. Allele origin: germline. Affected: yes.
Comment: Frameshift variant predicted to result in protein truncation or nonsense mediated decay in a gene for which loss of function is a known mechanism of disease; Not observed at significant frequency in large population cohorts (gnomAD); Has not been previously published as pathogenic or benign to our knowledge